The following is an entry in ClinVar:

ClinVar aggregate classification (germline): Uncertain significance. Review status: criteria provided, multiple submitters, no conflicts (2 of 4 stars). 2 submissions from 2 submitters: Uncertain significance (2). Last evaluated 2025-11-26.

Conditions:
Hereditary cancer-predisposing syndrome. Also called: Neoplastic Syndromes, Hereditary; Tumor predisposition; Hereditary neoplastic syndrome; Hereditary Cancer Syndrome. Identifiers: Orphanet 140162, MedGen C0027672, MeSH D009386, MONDO:0015356.

gnomAD v4.1: 3 of 1,614,122 alleles (0.00019%); highest among the groups gnomAD compares: African/African-American, 0.0013%; no homozygotes.

Submissions (2):

Labcorp Genetics (formerly Invitae), Labcorp
Classification: Uncertain significance. Last evaluated: 2025-11-26. Review status: criteria provided, single submitter. Criteria: Invitae Variant Classification Sherloc (09022015). Collection method: clinical testing. Allele origin: germline.
Comment: This sequence change replaces alanine, which is neutral and non-polar, with serine, which is neutral and polar, at codon 895 of the POLE protein (p.Ala895Ser). This variant is present in population databases (no rsID available, gnomAD 0.0009%). This variant has not been reported in the literature in individuals affected with POLE-related conditions. ClinVar contains an entry for this variant (Variation ID: 1356352). Invitae Evidence Modeling of protein sequence and biophysical properties (such as structural, functional, and spatial information, amino acid conservation, physicochemical variation, residue mobility, and thermodynamic stability) indicates that this missense variant is not expected to disrupt POLE protein function with a negative predictive value of 80%. In summary, the available evidence is currently insufficient to determine the role of this variant in disease. Therefore, it has been classified as a Variant of Uncertain Significance.

Ambry Genetics
Classification: Uncertain significance for Hereditary cancer-predisposing syndrome. Last evaluated: 2025-06-10. Review status: criteria provided, single submitter. Criteria: Ambry Variant Classification Scheme 2023. Collection method: clinical testing. Allele origin: germline.
Comment: The p.A895S variant (also known as c.2683G>T), located in coding exon 23 of the POLE gene, results from a G to T substitution at nucleotide position 2683. The alanine at codon 895 is replaced by serine, an amino acid with similar properties. This amino acid position is highly conserved in available vertebrate species. In addition, this alteration is predicted to be tolerated by in silico analysis. Based on the available evidence, the clinical significance of this variant remains unclear.

NM_006231.4(POLE):c.2683G>T (p.Ala895Ser)

Gene: POLE (DNA polymerase epsilon, catalytic subunit; minus strand). Cytogenetic location: 12q24.33.
Variant type: single nucleotide variant.
Coding change: c.2683G>T on transcript NM_006231.4 (MANE Select); coding-DNA position 2683, G replaced by T.
Protein change: p.Ala895Ser; replaces alanine 895 with serine.
Molecular consequence: missense variant.
Genome position (GRCh38, 1-based): chr12:132,664,027, C>A on the plus strand (G>T on the coding strand, the complement: POLE is on the minus strand). VCF-style: chr12-132664027-C-A. GRCh37 (hg19) VCF-style: chr12-133240613-C-A.
Other names: c.2683G>T (NM_006231.2); short protein forms A895S.
Identifiers: ClinVar variation 1356352 (VCV001356352.9), dbSNP rs201115064, ClinGen allele CA387395094.